The following is an entry in ClinVar:

NM_021619.3(PRDM12):c.1041CGC[5] (p.Ala353_Ala359del)

Gene: PRDM12 (PR/SET domain 12; plus strand). Cytogenetic location: 9q34.12.
Variant type: Microsatellite.
Coding change: c.1041CGC[5] on transcript NM_021619.3 (MANE Select); five copies in a row of the 3-base unit CGC starting at c.1041; the reference has 12 copies in a row; seven copies, 21 bases deleted.
Protein change: p.Ala353_Ala359del.
Molecular consequence: inframe deletion.
Genome position (GRCh38, 1-based): chr9:130,681,621-130,681,641, CGCCGCCGCCGCCGCCGCCGC deleted; deleting any 21 consecutive bases within chr9:130,681,606-130,681,641 gives the same sequence; the position shown is the placement nearest the transcript's 3' end. VCF-style (leftmost placement, unchanged base first): chr9-130681605-TCGCCGCCGCCGCCGCCGCCGC-T. GRCh37 (hg19) VCF-style: chr9-133556992-TCGCCGCCGCCGCCGCCGCCGC-T.
Other names: c.1056_1076del21 (NM_021619.2).
Identifiers: ClinVar variation 475805 (VCV000475805.5), dbSNP rs752427775, ClinGen allele CA467495905.
Genomic context (GRCh38, chr9:130,681,605, plus strand): 5'-GCACCGCGCTGCAGGCACACTCGCCCGCGCTGCCCGCCCCGCACGCGCACGCGCCCGCGC[TCGCCGCCGCCGCCGCCGCCGC>T]CGCCGCCGCCGCCGCGCACCACCTGCCGGCCATGGTGCTGTGAGCGCGCCCGCGCCCCCG-3'

ClinVar aggregate classification (germline): Conflicting classifications of pathogenicity. Review status: criteria provided, conflicting classifications (1 of 4 stars). 3 submissions from 3 submitters: Uncertain significance (2); Likely benign (1). Last evaluated 2026-02-18.

Conditions:
PRDM12-related disorder. Also called: PRDM12-related condition.
Inborn genetic diseases. Identifiers: MedGen C0950123, MeSH D030342.
Congenital insensitivity to pain-hypohidrosis syndrome. Also called: Neuropathy, hereditary sensory and autonomic, type VIII; HSAN VIII. Identifiers: Orphanet 478664, MedGen C4225308, MONDO:0014662, OMIM 616488.

Submissions (3):

PreventionGenetics, part of Exact Sciences
Classification: Likely benign for PRDM12-related condition. Last evaluated: 2026-02-18. Review status: criteria provided, single submitter. Criteria: ACMG Guidelines, 2015. Collection method: clinical testing. Allele origin: germline.
Comment: This variant is classified as likely benign based on ACMG/AMP sequence variant interpretation guidelines (Richards et al. 2015 PMID: 25741868, with internal and published modifications).

Ambry Genetics
Classification: Uncertain significance for Inborn genetic diseases. Last evaluated: 2023-02-02. Review status: criteria provided, single submitter. Criteria: Ambry Variant Classification Scheme 2023. Collection method: clinical testing. Allele origin: germline.
Comment: The c.1056_1076del21 (p.A353_A359del) alteration is located in exon 5 (coding exon 5) of the PRDM12 gene. This alteration consists of an in-frame deletion of 21 nucleotides between nucleotide positions c.1056 and c.1076, resulting in the deletion of 7 residues. Based on insufficient or conflicting evidence, the clinical significance of this alteration remains unclear.

Labcorp Genetics (formerly Invitae), Labcorp
Classification: Uncertain significance for Congenital insensitivity to pain-hypohidrosis syndrome. Last evaluated: 2022-07-17. Review status: criteria provided, single submitter. Criteria: Invitae Variant Classification Sherloc (09022015). Collection method: clinical testing. Allele origin: germline.
Comment: This variant, c.1056_1076del, results in the deletion of 7 amino acid(s) of the PRDM12 protein (p.Ala353_Ala359del), but otherwise preserves the integrity of the reading frame. The frequency data for this variant in the population databases is considered unreliable, as metrics indicate insufficient coverage at this position in the gnomAD database. This variant has not been reported in the literature in individuals affected with PRDM12-related conditions. ClinVar contains an entry for this variant (Variation ID: 475805). Experimental studies and prediction algorithms are not available or were not evaluated, and the functional significance of this variant is currently unknown. In summary, the available evidence is currently insufficient to determine the role of this variant in disease. Therefore, it has been classified as a Variant of Uncertain Significance.